The following is an entry in ClinVar:

ClinVar aggregate classification (germline): Likely pathogenic (1 of 4 stars; one submission).

Conditions:
Fabry disease. Also called: ALPHA-GALACTOSIDASE A DEFICIENCY; ANDERSON-FABRY DISEASE; CERAMIDE TRIHEXOSIDASE DEFICIENCY; GLA DEFICIENCY; HEREDITARY DYSTOPIC LIPIDOSIS; Angiokeratoma corporis diffusum. Identifiers: Orphanet 324, MedGen C0002986, MONDO:0010526, OMIM 301500, HP:0001071. Disease mechanism: Fabry disease is due to inactivating mutations in the X-linked GLA gene resulting in deficiency of the enzyme Alpha Galactosidase-A., loss of function.

Submission:

Genomenon, Inc
Classification: Likely pathogenic for Fabry disease. Last evaluated: 2026-09-08. Review status: criteria provided, single submitter. Criteria: Genomenon Sequence Variant Interpretation Standards - Updated. Collection method: curation. Allele origin: germline. Affected: no.
Comment: GLA p.Asp161GlyfsTer3 (c.482_485del) is a frameshift variant that is predicted to introduce a premature termination codon and result in a truncated or absent protein product. This variant has been reported in the published literature (PMID:34768768). It is absent or not present at a significant frequency in gnomAD. In conclusion, we classify GLA p.Asp161GlyfsTer3 (c.482_485del) as a likely pathogenic variant.

Literature cited by the submitters: PubMed 34768768.

NM_000169.3(GLA):c.482_485del (p.Asp161fs)

Genes: GLA (galactosidase alpha; minus strand), RPL36A-HNRNPH2 (RPL36A-HNRNPH2 readthrough; plus strand). Cytogenetic location: Xq22.1.
Variant type: Deletion.
Coding change: c.482_485del on transcript NM_000169.3 (MANE Select); coding-DNA positions 482 to 485, 4 bases deleted (ACTG; older notation c.482_485delACTG).
Protein change: p.Asp161fs; shifts the reading frame from aspartic acid 161.
Molecular consequence: frameshift variant. On other transcripts: non-coding transcript variant (3), intron variant (2).
Genome position (GRCh38, 1-based): chrX:101,401,694-101,401,697, CAGT deleted on the plus strand (ACTG on the coding strand, the reverse complement: GLA is on the minus strand); deleting any 4 consecutive bases within chrX:101,401,694-101,401,700 gives the same sequence; the c. name uses the placement nearest the transcript's 3' end. VCF-style (leftmost placement, unchanged base first): chrX-101401693-CCAGT-C. GRCh37 (hg19) VCF-style: chrX-100656681-CCAGT-C.
Other names: c.605_608del, p.Asp202fs (NM_001406747.1, NM_001406749.1); c.482_485del, p.Asp161fs (NM_001406748.1); c.300+6240_300+6243del (NM_001199973.2); c.177+9875_177+9878del (NM_001199974.2); short protein forms D161fs, D202fs.
Identifiers: ClinVar variation 4086968 (VCV004086968.2).